The following is an entry in ClinVar:

NM_001001557.4(GDF6):c.703G>A (p.Ala235Thr)

Gene: GDF6 (growth differentiation factor 6; minus strand). Cytogenetic location: 8q22.1.
Variant type: single nucleotide variant.
Coding change: c.703G>A on transcript NM_001001557.4 (MANE Select); coding-DNA position 703, G replaced by A.
Protein change: p.Ala235Thr; replaces alanine 235 with threonine.
Molecular consequence: missense variant.
Genome position (GRCh38, 1-based): chr8:96,145,228, C>T on the plus strand (G>A on the coding strand, the complement: GDF6 is on the minus strand). VCF-style: chr8-96145228-C-T. GRCh37 (hg19) VCF-style: chr8-97157456-C-T.
Other names: short protein forms A235T.
Identifiers: ClinVar variation 1053991 (VCV001053991.9), dbSNP rs1262253139, ClinGen allele CA371752034.

ClinVar aggregate classification (germline): Uncertain significance (1 of 4 stars; one submission).

Conditions:
Microphthalmia, isolated, with coloboma 6 (MCOPCB6). Also called: Microphthalmia with coloboma 6, digenic; Microphthalmia with coloboma 6; MICROPHTHALMIA/COLOBOMA 6. Identifiers: Orphanet 98938, MedGen C3150968, MONDO:0013376, OMIM 613703.
Leber congenital amaurosis 17 (LCA17). Identifiers: Orphanet 65, MedGen C3715164, MONDO:0014145, OMIM 615360.
Klippel-Feil syndrome 1, autosomal dominant (KFS1). Also called: CERVICAL VERTEBRAL FUSION, AUTOSOMAL DOMINANT. Identifiers: Orphanet 2345, MedGen C1861689, MONDO:0007306, OMIM 118100.
Isolated microphthalmia 4. Identifiers: Orphanet 2542, MedGen C2751307, MONDO:0013130, OMIM 613094.

Allele frequency attached by ClinVar (database versions not stated): gnomAD exomes below 0.00001 and 0.00002; TOPMed 0.00001.
gnomAD v4.1: 1 of 1,512,978 alleles (0.000066%); highest among the groups gnomAD compares: Admixed American, 0.002%; no homozygotes.

Submission:

Labcorp Genetics (formerly Invitae), Labcorp
Classification: Uncertain significance for Isolated microphthalmia 4; Leber congenital amaurosis 17; Klippel-Feil syndrome 1, autosomal dominant; Microphthalmia, isolated, with coloboma 6. Last evaluated: 2025-08-12. Review status: criteria provided, single submitter. Criteria: Invitae Variant Classification Sherloc (09022015). Collection method: clinical testing. Allele origin: germline.
Comment: This sequence change replaces alanine, which is neutral and non-polar, with threonine, which is neutral and polar, at codon 235 of the GDF6 protein (p.Ala235Thr). The frequency data for this variant in the population databases is considered unreliable, as metrics indicate poor data quality at this position in the gnomAD database. This variant has not been reported in the literature in individuals affected with GDF6-related conditions. ClinVar contains an entry for this variant (Variation ID: 1053991). Invitae Evidence Modeling of protein sequence and biophysical properties (such as structural, functional, and spatial information, amino acid conservation, physicochemical variation, residue mobility, and thermodynamic stability) indicates that this missense variant is not expected to disrupt GDF6 protein function with a negative predictive value of 80%. In summary, the available evidence is currently insufficient to determine the role of this variant in disease. Therefore, it has been classified as a Variant of Uncertain Significance.